The following is an entry in ClinVar:

NM_003470.3(USP7):c.3052C>T (p.Arg1018Ter)

Gene: USP7 (ubiquitin specific peptidase 7; minus strand). Cytogenetic location: 16p13.2.
Variant type: single nucleotide variant.
Coding change: c.3052C>T on transcript NM_003470.3 (MANE Select); coding-DNA position 3052, C replaced by T.
Protein change: p.Arg1018Ter; replaces arginine 1018 with a stop codon.
Molecular consequence: nonsense. On other transcripts: non-coding transcript variant (1).
Genome position (GRCh38, 1-based): chr16:8,894,843, G>A on the plus strand (C>T on the coding strand, the complement: USP7 is on the minus strand). VCF-style: chr16-8894843-G-A. GRCh37 (hg19) VCF-style: chr16-8988700-G-A.
Other names: c.3004C>T, p.Arg1002Ter (NM_001286457.2); c.2755C>T, p.Arg919Ter (NM_001286458.2); c.2878C>T, p.Arg960Ter (NM_001321858.2); short protein forms R1002*, R1018*, R919*, R960*.
Identifiers: ClinVar variation 1321986 (VCV001321986.2), dbSNP rs1272068741, ClinGen allele CA394695510.
Genomic context (GRCh38, chr16:8,894,843, plus strand): 5'-CCTTCTCAAACTCCTTCTCCTGGATGTCCAGCAGGCTCTGGATTCGCTTCATCACTTCTC[G>A]AAAATGCTCGCCCTAGAATGGCAAAGGACATGTGCTCACACAGTCACTCCCAGCACCCCC-3'

ClinVar aggregate classification (germline): Pathogenic/Likely pathogenic. Review status: criteria provided, multiple submitters, no conflicts (2 of 4 stars). 2 submissions from 2 submitters: Pathogenic (1); Likely pathogenic (1). Last evaluated 2025-12-19.

Conditions:
Neurodevelopmental disorder. Identifiers: MedGen C1535926, MeSH D065886, MONDO:0700092.
Hao-Fountain syndrome due to USP7 mutation. Also called: USP7-Related Hao Fountain Syndrome. Identifiers: Orphanet 643538, MedGen C5816734, MONDO:0958071, OMIM 616863.

Submissions (2):

Variantyx, Inc.
Classification: Likely pathogenic for Hao-Fountain syndrome due to USP7 mutation. Last evaluated: 2025-12-19. Review status: criteria provided, single submitter. Criteria: Variantyx Assertion Criteria 2022. Collection method: clinical testing. Allele origin: germline. Inheritance: Autosomal dominant inheritance. Affected: yes.
Comment: This is a nonsense variant in the USP7 gene (OMIM: 602519). Pathogenic variants in this gene have been associated with autosomal dominant Hao-Fountain syndrome. This variant introduces a premature termination codon in exon 29 out of 31 and is expected to result in loss of function, which is a known disease mechanism for USP7 in this disorder (PMID: 30679821, 36466803, 33012787, 38221796) (PVS1). This variant is absent from control populations (PM2) and it has not been reported in individuals with USP7-related disorders in the databases available for review. Based on the current evidence, this variant is classified as likely pathogenic for autosomal dominant Hao-Fountain syndrome.

Laboratory of Molecular Genetics (Pr. Bezieau's lab), CHU de Nantes
Classification: Pathogenic for Neurodevelopmental disorder. Last evaluated: 2021-10-07. Review status: criteria provided, single submitter. Criteria: ACMG Guidelines, 2015. Collection method: clinical testing. Allele origin: germline. Affected: yes.

Literature cited by the submitters: PubMed 30679821 (cited by Variantyx, Inc.); PubMed 36466803 (cited by Variantyx, Inc.); PubMed 33012787 (cited by Variantyx, Inc.); PubMed 38221796 (cited by Variantyx, Inc.).